The following is an entry in ClinVar:

ClinVar aggregate classification (germline): Uncertain significance. Review status: criteria provided, multiple submitters, no conflicts (2 of 4 stars). 4 submissions from 4 submitters: Uncertain significance (4). Last evaluated 2024-03-25.

Conditions:
Emery-Dreifuss muscular dystrophy 5, autosomal dominant (EDMD5). Also called: EMERY-DREIFUSS MUSCULAR DYSTROPHY 5. Identifiers: Orphanet 261, MedGen C2751805, MONDO:0013072, OMIM 612999.

Allele frequency attached by ClinVar (database versions not stated): gnomAD 0.00001; TOPMed 0.00001; ExAC 0.00002; gnomAD exomes 0.00002.
gnomAD v4.1: 19 of 1,614,032 alleles (0.0012%); highest among the groups gnomAD compares: Middle Eastern, 0.066%; no homozygotes.

Submissions (4):

Genomic Medicine Center of Excellence, King Faisal Specialist Hospital and Research Centre
Classification: Uncertain significance for Emery-Dreifuss muscular dystrophy 5, autosomal dominant. Last evaluated: 2024-03-25. Review status: criteria provided, single submitter. Criteria: ACMG Guidelines, 2015. Collection method: clinical testing. Allele origin: germline.

Neuberg Centre For Genomic Medicine, NCGM
Classification: Uncertain significance for Emery-Dreifuss muscular dystrophy 5, autosomal dominant. Last evaluated: 2023-02-14. Review status: criteria provided, single submitter. Criteria: ACMG Guidelines, 2015. Collection method: clinical testing. Allele origin: germline. Inheritance: Autosomal dominant inheritance. Affected: yes.
Comment: The missense c.13826A>C (p.Asn4609Thr) variant in SYNE2 gene has not been reported previously as a pathogenic variant nor as a benign variant, to our knowledge. The p.Asn4609Thr variant is reported with an allele frequency of 0.002% in the gnomAD exomes database and is novel (not in any individuals) in 1000 Genomes database. This variant has been reported to the ClinVar database as Uncertain Significance (multiple submissions). The amino acid change p.Asn4609Thr in SYNE2 is predicted as conserved by GERP++ and PhyloP across 100 vertebrates. The p.Asn4609Thr variant is novel (not in any individuals) in 1000 Genomes. The amino acid Asn at position 4609 is changed to a Thr changing protein sequence and it might alter its composition and physico-chemical properties. For these reasons, this variant has been classified as a Variant of Uncertain Significance (VUS).

Labcorp Genetics (formerly Invitae), Labcorp
Classification: Uncertain significance for Emery-Dreifuss muscular dystrophy 5, autosomal dominant. Last evaluated: 2021-01-20. Review status: criteria provided, single submitter. Criteria: Invitae Variant Classification Sherloc (09022015). Collection method: clinical testing. Allele origin: germline.
Comment: This sequence change replaces asparagine with threonine at codon 4609 of the SYNE2 protein (p.Asn4609Thr). The asparagine residue is weakly conserved and there is a small physicochemical difference between asparagine and threonine. This variant is present in population databases (rs751525888, ExAC 0.006%). This variant has not been reported in the literature in individuals with SYNE2-related conditions. Algorithms developed to predict the effect of missense changes on protein structure and function (SIFT, PolyPhen-2, Align-GVGD) all suggest that this variant is likely to be tolerated, but these predictions have not been confirmed by published functional studies and their clinical significance is uncertain. In summary, the available evidence is currently insufficient to determine the role of this variant in disease. Therefore, it has been classified as a Variant of Uncertain Significance.

Baylor Genetics
Classification: Uncertain significance for Emery-Dreifuss muscular dystrophy 5, autosomal dominant. Last evaluated: 2019-08-08. Review status: criteria provided, single submitter. Criteria: ACMG Guidelines, 2015. Collection method: clinical testing. Allele origin: unknown. Affected: yes.
Comment: This variant was determined to be of uncertain significance according to ACMG Guidelines, 2015 [PMID:25741868].

NM_182914.3(SYNE2):c.13826A>C (p.Asn4609Thr)

Gene: SYNE2 (spectrin repeat containing nuclear envelope protein 2; plus strand). Cytogenetic location: 14q23.2.
Variant type: single nucleotide variant.
Coding change: c.13826A>C on transcript NM_182914.3 (MANE Select); coding-DNA position 13826, A replaced by C.
Protein change: p.Asn4609Thr; replaces asparagine 4609 with threonine.
Molecular consequence: missense variant.
Genome position (GRCh38, 1-based): chr14:64,126,716, A>C. VCF-style: chr14-64126716-A-C. GRCh37 (hg19) VCF-style: chr14-64593434-A-C.
Other names: c.13826A>C, p.Asn4609Thr (NM_015180.6); c.13826A>C (NM_015180.5); short protein forms N4609T.
Identifiers: ClinVar variation 1029323 (VCV001029323.10), dbSNP rs751525888, ClinGen allele CA7222581.